The following is an entry in ClinVar:

ClinVar aggregate classification (germline): Pathogenic/Likely pathogenic. Review status: criteria provided, multiple submitters, no conflicts (2 of 4 stars). 4 submissions from 4 submitters: Pathogenic (3); Likely pathogenic (1). Last evaluated 2025-11-22.

Conditions:
GM3 synthase deficiency (SPDRS). Also called: SALT AND PEPPER MENTAL RETARDATION SYNDROME; SALT AND PEPPER DEVELOPMENTAL REGRESSION SYNDROME; AMISH INFANTILE EPILEPSY SYNDROME. Identifiers: Orphanet 171714, Orphanet 370933, MedGen C1836824, MONDO:0018274, OMIM 609056.

Allele frequency attached by ClinVar (database versions not stated): 1000 Genomes Project 30x 0.00016; ExAC 0.00002; ESP Exome Variant Server 0.00008; gnomAD 0.00003; TOPMed 0.00002.

Submissions (4):

GeneDx
Classification: Likely pathogenic. Last evaluated: 2025-11-22. Review status: criteria provided, single submitter. Criteria: GeneDx Variant Classification Process June 2021. Collection method: clinical testing. Allele origin: germline.
Comment: Identified with a second ST3GAL5 variant on the opposite allele (in trans) in patients with ST3GAL5-related GM3 synthase deficiency in published literature (PMID: 33486335, 34906476); Nonsense variant predicted to result in protein truncation, as the last 85 amino acid(s) are lost, and other loss-of-function variants have been reported downstream in HGMD; Not observed at significant frequency in large population cohorts (gnomAD); This variant is associated with the following publications: (PMID: 34906476, 33486335)

Genetics and Genomic Medicine Centre, NeuroGen Healthcare, NeuroGen Healthcare
Classification: Pathogenic for GM3 synthase deficiency. Last evaluated: 2025-06-03. Review status: criteria provided, single submitter. Criteria: ACMG Guidelines, 2015. Collection method: clinical testing. Allele origin: unknown. Affected: yes.

Labcorp Genetics (formerly Invitae), Labcorp
Classification: Pathogenic for GM3 synthase deficiency. Last evaluated: 2024-01-24. Review status: criteria provided, single submitter. Criteria: Invitae Variant Classification Sherloc (09022015). Collection method: clinical testing. Allele origin: germline.
Comment: This sequence change creates a premature translational stop signal (p.Arg334*) in the ST3GAL5 gene. While this is not anticipated to result in nonsense mediated decay, it is expected to disrupt the last 85 amino acid(s) of the ST3GAL5 protein. This variant is present in population databases (rs200541102, gnomAD 0.008%). This premature translational stop signal has been observed in individual(s) with GM3 synthase deficiency (PMID: 33486335, 34906476). It has also been observed to segregate with disease in related individuals. ClinVar contains an entry for this variant (Variation ID: 2170400). Algorithms developed to predict the effect of sequence changes on RNA splicing suggest that this variant may disrupt the consensus splice site. This variant disrupts a region of the ST3GAL5 protein in which other variant(s) (p.Gly342Ser) have been determined to be pathogenic (PMID: 30576498, 34906476). This suggests that this is a clinically significant region of the protein, and that variants that disrupt it are likely to be disease-causing. For these reasons, this variant has been classified as Pathogenic.

Women's Health and Genetics/Laboratory Corporation of America, LabCorp
Classification: Pathogenic for GM3 synthase deficiency. Last evaluated: 2023-07-27. Review status: criteria provided, single submitter. Criteria: LabCorp Variant Classification Summary - May 2015. Collection method: clinical testing. Allele origin: germline.
Comment: Variant summary: ST3GAL5 c.1000C>T (p.Arg334X) results in a premature termination codon, predicted to cause a truncation of the encoded protein, and is not predicted to result in nonsense mediated decay. The variant allele was found at a frequency of 8e-06 in 251342 control chromosomes (gnomAD). c.1000C>T has been reported in the literature in multiple individuals affected with GM3 synthase deficiency and related conditions (Fu_2018, Heide_2022, Yang_2021). These data indicate that the variant is very likely to be associated with disease. The following publications have been ascertained in the context of this evaluation (PMID: 34906476, 33486335, 28976722). One submitter has cited a clinical-significance assessment for this variant to ClinVar after 2014 and has classified the variant as likely pathogenic. Based on the evidence outlined above, the variant was classified as pathogenic.

Literature cited by the submitters: PubMed 33486335 (cited by Labcorp Genetics (formerly Invitae), Labcorp and Women's Health and Genetics/Laboratory Corporation of America, LabCorp); PubMed 34906476 (cited by Labcorp Genetics (formerly Invitae), Labcorp and Women's Health and Genetics/Laboratory Corporation of America, LabCorp); PubMed 30576498 (cited by Labcorp Genetics (formerly Invitae), Labcorp); PubMed 28976722 (cited by Women's Health and Genetics/Laboratory Corporation of America, LabCorp).

NM_003896.4(ST3GAL5):c.1000C>T (p.Arg334Ter)

Gene: ST3GAL5 (ST3 beta-galactoside alpha-2,3-sialyltransferase 5; minus strand). Cytogenetic location: 2p11.2.
Variant type: single nucleotide variant.
Coding change: c.1000C>T on transcript NM_003896.4 (MANE Select); coding-DNA position 1000, C replaced by T.
Protein change: p.Arg334Ter; replaces arginine 334 with a stop codon.
Molecular consequence: nonsense. On other transcripts: intron variant (1).
Genome position (GRCh38, 1-based): chr2:85,844,404, G>A on the plus strand (C>T on the coding strand, the complement: ST3GAL5 is on the minus strand). VCF-style: chr2-85844404-G-A. GRCh37 (hg19) VCF-style: chr2-86071527-G-A.
Other names: c.931C>T, p.Arg311Ter (NM_001042437.2); c.616C>T, p.Arg206Ter (NM_001354223.2, NM_001354224.2, NM_001354226.2 and 3 more transcripts); c.916C>T, p.Arg306Ter (NM_001354227.2, NM_001354229.2, NM_001354238.1); c.277C>T, p.Arg93Ter (NM_001354247.1); c.849+1973C>T (NM_001363847.1); short protein forms R93*, R311*, R334*, R306*, R206*.
Identifiers: ClinVar variation 2170400 (VCV002170400.8), dbSNP rs200541102, ClinGen allele CA1744939.